The following is an entry in ClinVar:

ClinVar aggregate classification (germline): Uncertain significance (1 of 4 stars; one submission).

Conditions:
Hypercoagulability syndrome due to glycosylphosphatidylinositol deficiency (GPIBD1). Also called: GLYCOSYLPHOSPHATIDYLINOSITOL BIOSYNTHESIS DEFECT 1. Identifiers: Orphanet 83639, MedGen C5201145, MONDO:0012465, OMIM 610293.

Submission:

Labcorp Genetics (formerly Invitae), Labcorp
Classification: Uncertain significance for Hypercoagulability syndrome due to glycosylphosphatidylinositol deficiency. Last evaluated: 2022-06-29. Review status: criteria provided, single submitter. Criteria: Invitae Variant Classification Sherloc (09022015). Collection method: clinical testing. Allele origin: germline.
Comment: In summary, the available evidence is currently insufficient to determine the role of this variant in disease. Therefore, it has been classified as a Variant of Uncertain Significance. Algorithms developed to predict the effect of missense changes on protein structure and function are either unavailable or do not agree on the potential impact of this missense change (SIFT: "Deleterious"; PolyPhen-2: "Probably Damaging"; Align-GVGD: "Class C0"). This variant has not been reported in the literature in individuals affected with PIGM-related conditions. This variant is not present in population databases (gnomAD no frequency). This sequence change replaces histidine, which is basic and polar, with tyrosine, which is neutral and polar, at codon 269 of the PIGM protein (p.His269Tyr).

NM_145167.3(PIGM):c.805C>T (p.His269Tyr)

Gene: PIGM (phosphatidylinositol glycan anchor biosynthesis class M; minus strand). Cytogenetic location: 1q23.2.
Variant type: single nucleotide variant.
Coding change: c.805C>T on transcript NM_145167.3 (MANE Select); coding-DNA position 805, C replaced by T.
Protein change: p.His269Tyr; replaces histidine 269 with tyrosine.
Molecular consequence: missense variant.
Genome position (GRCh38, 1-based): chr1:160,030,935, G>A on the plus strand (C>T on the coding strand, the complement: PIGM is on the minus strand). VCF-style: chr1-160030935-G-A. GRCh37 (hg19) VCF-style: chr1-160000725-G-A.
Other names: short protein forms H269Y.
Identifiers: ClinVar variation 2103956 (VCV002103956.4), dbSNP rs2525412305, ClinGen allele CA343240253.